The following is an entry in ClinVar:

NM_001166114.2(PNPLA6):c.2907T>C (p.Ile969=)

Gene: PNPLA6 (patatin like domain 6, lysophospholipase; plus strand). Cytogenetic location: 19p13.2.
Variant type: single nucleotide variant.
Coding change: c.2907T>C on transcript NM_001166114.2 (MANE Select); coding-DNA position 2907, T replaced by C.
Protein change: p.Ile969=; no amino-acid change (isoleucine 969 retained).
Molecular consequence: synonymous variant.
Genome position (GRCh38, 1-based): chr19:7,555,338, T>C. VCF-style: chr19-7555338-T-C. GRCh37 (hg19) VCF-style: chr19-7620224-T-C.
Other names: c.2937T>C, p.Ile979= (NM_001166111.2); c.2712T>C, p.Ile904= (NM_001166112.2); c.2793T>C, p.Ile931= (NM_001166113.1, NM_006702.5); c.2937T>C (NM_001166111.1).
Identifiers: ClinVar variation 537339 (VCV000537339.12), dbSNP rs774909110, ClinGen allele CA9140260.

ClinVar aggregate classification (germline): Likely benign. Review status: criteria provided, multiple submitters, no conflicts (2 of 4 stars). 3 submissions from 3 submitters: Likely benign (2). 1 of the submissions does not count toward it. Last evaluated 2025-09-23.

Conditions:
Hereditary spastic paraplegia 39 (SPG39). Also called: SPASTIC PARAPLEGIA 39, AUTOSOMAL RECESSIVE; Spastic Paraplegia Type 39 (SPG39). Identifiers: Orphanet 139480, MedGen C2677586, MONDO:0012787, OMIM 612020.
PNPLA6-related disorder. Also called: PNPLA6-related disorders; PNPLA6-related condition.

Allele frequency attached by ClinVar (database versions not stated): gnomAD exomes 0.00003 and 0.00013; TOPMed 0.00003; gnomAD 0.00005; ExAC 0.00024.

Submissions (3):

Labcorp Genetics (formerly Invitae), Labcorp
Classification: Likely benign for Hereditary spastic paraplegia 39. Last evaluated: 2025-09-23. Review status: criteria provided, single submitter. Criteria: Invitae Variant Classification Sherloc (09022015). Collection method: clinical testing. Allele origin: germline.

Blueprint Genetics
Classification: Likely benign. Last evaluated: 2021-08-04. Review status: criteria provided, single submitter. Criteria: ACMG Guidelines, 2015. Collection method: clinical testing. Allele origin: germline.

PreventionGenetics, part of Exact Sciences
Classification: Likely benign for PNPLA6-related condition. Last evaluated: 2019-09-11. Review status: no assertion criteria provided. Collection method: clinical testing. Allele origin: germline. Not counted in ClinVar's aggregate classification.
Comment: This variant is classified as likely benign based on ACMG/AMP sequence variant interpretation guidelines (Richards et al. 2015 PMID: 25741868, with internal and published modifications).